The following is an entry in ClinVar:

NM_024422.6(DSC2):c.2126G>A (p.Cys709Tyr)

Gene: DSC2 (desmocollin 2; minus strand). Cytogenetic location: 18q12.1.
Variant type: single nucleotide variant.
Coding change: c.2126G>A on transcript NM_024422.6 (MANE Select); coding-DNA position 2126, G replaced by A.
Protein change: p.Cys709Tyr; replaces cysteine 709 with tyrosine.
Molecular consequence: missense variant.
Genome position (GRCh38, 1-based): chr18:31,070,850, C>T on the plus strand (G>A on the coding strand, the complement: DSC2 is on the minus strand). VCF-style: chr18-31070850-C-T. GRCh37 (hg19) VCF-style: chr18-28650816-C-T.
Other names: c.2126G>A, p.Cys709Tyr (NM_004949.5); short protein forms C709Y.
Identifiers: ClinVar variation 468375 (VCV000468375.13), dbSNP rs145831682, ClinGen allele CA034945.
Genomic context (GRCh38, chr18:31,070,850, plus strand): 5'-GGAATTACTTTTGGTTGTTTAGACGTCCCAGAAGCCCCACAGACCAGCGTAAACAGGATG[C>T]CTGGAGGAAGAAAGAAATATACTTGAGTTTATCATAAAATAATATGAAGTTATAAATGTA-3'
Protein context (NP_077740.1, residues 699-719): AILLGIALLF[Cys709Tyr]ILFTLVCGAS

ClinVar aggregate classification (germline): Conflicting classifications of pathogenicity. Review status: criteria provided, conflicting classifications (1 of 4 stars). 4 submissions from 4 submitters: Uncertain significance (2); Likely benign (1). 1 of the submissions does not count toward it. Last evaluated 2026-01-25.

Conditions:
Cardiovascular phenotype. Identifiers: MedGen CN230736.
Arrhythmogenic right ventricular dysplasia 11. Also called: Arrhythmogenic Right Ventricular Dysplasia/Cardiomyopathy11; ARRHYTHMOGENIC RIGHT VENTRICULAR DYSPLASIA, FAMILIAL, 11; Arrhythmogenic right ventricular dysplasia 11 with mild palmoplantar keratoderma and woolly hair. Identifiers: MedGen C1864850, MONDO:0012506, OMIM 610476.
DSC2-related disorder. Also called: DSC2-related condition.
Cardiomyopathy (CMYO). Also called: Cardiomyopathies. Identifiers: Orphanet 167848, MedGen C0878544, MONDO:0004994, HP:0001638. Inheritance: Various modes of inheritance.

Allele frequency attached by ClinVar (database versions not stated): TOPMed 0.00001; gnomAD exomes 0.00002 and below 0.00001; ESP Exome Variant Server 0.00015; ExAC 0.00003; gnomAD 0.00003.

Submissions (4):

Labcorp Genetics (formerly Invitae), Labcorp
Classification: Uncertain significance for Arrhythmogenic right ventricular dysplasia 11. Last evaluated: 2026-01-25. Review status: criteria provided, single submitter. Criteria: Invitae Variant Classification Sherloc (09022015). Collection method: clinical testing. Allele origin: germline.
Comment: This sequence change replaces cysteine, which is neutral and slightly polar, with tyrosine, which is neutral and polar, at codon 709 of the DSC2 protein (p.Cys709Tyr). This variant is present in population databases (rs145831682, gnomAD 0.01%). This variant has not been reported in the literature in individuals affected with DSC2-related conditions. ClinVar contains an entry for this variant (Variation ID: 468375). An algorithm developed to predict the effect of missense changes on protein structure and function (PolyPhen-2) suggests that this variant is likely to be disruptive. In summary, the available evidence is currently insufficient to determine the role of this variant in disease. Therefore, it has been classified as a Variant of Uncertain Significance.

Ambry Genetics
Classification: Likely benign for Cardiovascular phenotype. Last evaluated: 2024-06-26. Review status: criteria provided, single submitter. Criteria: Ambry Variant Classification Scheme 2023. Collection method: clinical testing. Allele origin: germline.

Color Diagnostics, LLC DBA Color Health
Classification: Uncertain significance for Cardiomyopathy. Last evaluated: 2022-01-06. Review status: criteria provided, single submitter. Criteria: ACMG Guidelines, 2015. Collection method: clinical testing. Allele origin: germline.
Comment: This missense variant replaces cysteine with tyrosine at codon 709 of the DSC2 protein. Computational prediction suggests that this variant may not impact protein structure and function (internally defined REVEL score threshold <= 0.5, PMID: 27666373). To our knowledge, functional studies have not been reported for this variant. This variant has not been reported in individuals affected with cardiovascular disorders in the literature. This variant has been identified in 5/282496 chromosomes in the general population by the Genome Aggregation Database (gnomAD). The available evidence is insufficient to determine the role of this variant in disease conclusively. Therefore, this variant is classified as a Variant of Uncertain Significance.

PreventionGenetics, part of Exact Sciences
Classification: Uncertain significance for DSC2-related condition. Last evaluated: 2024-02-02. Review status: no assertion criteria provided. Collection method: clinical testing. Allele origin: germline. Not counted in ClinVar's aggregate classification.
Comment: The DSC2 c.2126G>A variant is predicted to result in the amino acid substitution p.Cys709Tyr. To our knowledge, this variant has not been reported in the literature. This variant is reported in 0.0098% of alleles in individuals of South Asian descent in gnomAD. At this time, the clinical significance of this variant is uncertain due to the absence of conclusive functional and genetic evidence.